The following is an entry in ClinVar:

NM_001081.4(CUBN):c.10513A>G (p.Thr3505Ala)

Gene: CUBN (cubilin; minus strand). Cytogenetic location: 10p13.
Variant type: single nucleotide variant.
Coding change: c.10513A>G on transcript NM_001081.4 (MANE Select); coding-DNA position 10513, A replaced by G.
Protein change: p.Thr3505Ala; replaces threonine 3505 with alanine.
Molecular consequence: missense variant.
Genome position (GRCh38, 1-based): chr10:16,831,267, T>C on the plus strand (A>G on the coding strand, the complement: CUBN is on the minus strand). VCF-style: chr10-16831267-T-C. GRCh37 (hg19) VCF-style: chr10-16873266-T-C.
Other names: short protein forms T3505A.
Identifiers: ClinVar variation 1900223 (VCV001900223.5), dbSNP rs773837995, ClinGen allele CA5422366.
Genomic context (GRCh38, chr10:16,831,267, plus strand): 5'-TGTTTTTCTCACAGTGCTTTCCTGTACAAAGTGCAAATGTCTTACCAGAGGGTGATGAAG[T>C]CCAGATGATTTCATATCCACGATCAGAAGTTACACTATCACTCTTAAATCGTAGGTATAG-3'
Protein context (NP_001072.2, residues 3495-3515): TSDRGYEIIW[Thr3505Ala]SSPSGCGGTL

ClinVar aggregate classification (germline): Uncertain significance (1 of 4 stars; one submission).

Conditions:
Imerslund-Grasbeck syndrome. Also called: Megaloblastic anemia due to inborn errors of metabolism; Imerslund-Gräsbeck syndrome; ENTEROCYTE COBALAMIN MALABSORPTION; ENTEROCYTE INTRINSIC FACTOR RECEPTOR, DEFECT OF; PERNICIOUS ANEMIA, JUVENILE, DUE TO SELECTIVE INTESTINAL MALABSORPTION OF VITAMIN B12, WITH PROTEINURIA. Identifiers: Orphanet 35858, MedGen C4551825, MONDO:0009853.

Allele frequency attached by ClinVar (database versions not stated): gnomAD exomes below 0.00001; ExAC 0.00001.
gnomAD v4.1: 1 of 1,614,090 alleles (0.000062%); highest among the groups gnomAD compares: Non-Finnish European, 0.000085%; no homozygotes.

Submission:

Labcorp Genetics (formerly Invitae), Labcorp
Classification: Uncertain significance for Imerslund-Grasbeck syndrome. Last evaluated: 2023-05-05. Review status: criteria provided, single submitter. Criteria: Invitae Variant Classification Sherloc (09022015). Collection method: clinical testing. Allele origin: germline.
Comment: Advanced modeling of protein sequence and biophysical properties (such as structural, functional, and spatial information, amino acid conservation, physicochemical variation, residue mobility, and thermodynamic stability) performed at Invitae indicates that this missense variant is expected to disrupt CUBN protein function. ClinVar contains an entry for this variant (Variation ID: 1900223). This variant has not been reported in the literature in individuals affected with CUBN-related conditions. This variant is present in population databases (rs773837995, gnomAD 0.0009%). This sequence change replaces threonine, which is neutral and polar, with alanine, which is neutral and non-polar, at codon 3505 of the CUBN protein (p.Thr3505Ala). In summary, the available evidence is currently insufficient to determine the role of this variant in disease. Therefore, it has been classified as a Variant of Uncertain Significance.